The following is an entry in ClinVar:

NM_015910.7(WDPCP):c.629A>G (p.Tyr210Cys)

Gene: WDPCP (WD repeat containing planar cell polarity effector; minus strand). Cytogenetic location: 2p15.
Variant type: single nucleotide variant.
Coding change: c.629A>G on transcript NM_015910.7 (MANE Select); coding-DNA position 629, A replaced by G.
Protein change: p.Tyr210Cys; replaces tyrosine 210 with cysteine.
Molecular consequence: missense variant. On other transcripts: non-coding transcript variant (3).
Genome position (GRCh38, 1-based): chr2:63,437,425, T>C on the plus strand (A>G on the coding strand, the complement: WDPCP is on the minus strand). VCF-style: chr2-63437425-T-C. GRCh37 (hg19) VCF-style: chr2-63664559-T-C.
Other names: c.152A>G, p.Tyr51Cys (NM_001042692.3); c.557A>G, p.Tyr186Cys (NM_001354044.2); c.629A>G, p.Tyr210Cys (NM_001354045.2); short protein forms Y186C, Y210C, Y51C.
Identifiers: ClinVar variation 1034570 (VCV001034570.9), dbSNP rs1697208498, ClinGen allele CA347063284.
Genomic context (GRCh38, chr2:63,437,425, plus strand): 5'-ATACTCTCATATACCTTAATAATTAATAATATGACTATATAAATCAAAATCTCTACCTTA[T>C]AATCCAAGGCTGAGAGTTTTTCCAGTCTTTTGTTTACATCAGAAGACTCCATCTTCTTGG-3'
Protein context (NP_056994.3, residues 200-220): KRLEKLSALD[Tyr210Cys]KIFYYEIPGP

ClinVar aggregate classification (germline): Uncertain significance (1 of 4 stars; one submission).

Conditions:
Bardet-Biedl syndrome (BBS). Identifiers: Orphanet 110, MedGen C0752166, MONDO:0015229.

Allele frequency attached by ClinVar (database versions not stated): gnomAD exomes below 0.00001.
gnomAD v4.1: 1 of 1,598,800 alleles (0.000063%); highest among the groups gnomAD compares: Non-Finnish European, 0.000085%; no homozygotes.

Submission:

Labcorp Genetics (formerly Invitae), Labcorp
Classification: Uncertain significance for Bardet-Biedl syndrome. Last evaluated: 2020-02-22. Review status: criteria provided, single submitter. Criteria: Invitae Variant Classification Sherloc (09022015). Collection method: clinical testing. Allele origin: germline.
Comment: Algorithms developed to predict the effect of sequence changes on RNA splicing suggest that this variant may create or strengthen a splice site, but this prediction has not been confirmed by published transcriptional studies. Algorithms developed to predict the effect of missense changes on protein structure and function (SIFT, PolyPhen-2, Align-GVGD) all suggest that this variant is likely to be tolerated, but these predictions have not been confirmed by published functional studies and their clinical significance is uncertain. This variant has not been reported in the literature in individuals with WDPCP-related conditions. This variant is not present in population databases (ExAC no frequency). This sequence change replaces tyrosine with cysteine at codon 210 of the WDPCP protein (p.Tyr210Cys). The tyrosine residue is weakly conserved and there is a large physicochemical difference between tyrosine and cysteine. In summary, the available evidence is currently insufficient to determine the role of this variant in disease. Therefore, it has been classified as a Variant of Uncertain Significance.